The following is an entry in ClinVar:

ClinVar aggregate classification (germline): Likely benign. Review status: criteria provided, multiple submitters, no conflicts (2 of 4 stars). 3 submissions from 3 submitters: Likely benign (2). 1 of the submissions does not count toward it. Last evaluated 2026-01-21.

Conditions:
Primary ciliary dyskinesia. Also called: Ciliary dyskinesia. Identifiers: Orphanet 244, MedGen C0008780, MONDO:0016575, HP:0012265.
DNAH11-related disorder. Also called: DNAH11-related condition.

Allele frequency attached by ClinVar (database versions not stated): gnomAD 0.00001; TOPMed 0.00003; ExAC 0.00004; gnomAD exomes 0.00005.
gnomAD v4.1: 73 of 1,612,900 alleles (0.0045%); highest among the groups gnomAD compares: Admixed American, 0.012%; no homozygotes.

Submissions (3):

Labcorp Genetics (formerly Invitae), Labcorp
Classification: Likely benign for Primary ciliary dyskinesia. Last evaluated: 2026-01-21. Review status: criteria provided, single submitter. Criteria: Invitae Variant Classification Sherloc (09022015). Collection method: clinical testing. Allele origin: germline.

Blueprint Genetics
Classification: Likely benign. Last evaluated: 2024-07-09. Review status: criteria provided, single submitter. Criteria: ACMG Guidelines, 2015. Collection method: clinical testing. Allele origin: germline.

PreventionGenetics, part of Exact Sciences
Classification: Likely benign for DNAH11-related condition. Last evaluated: 2019-07-16. Review status: no assertion criteria provided. Collection method: clinical testing. Allele origin: germline. Not counted in ClinVar's aggregate classification.
Comment: This variant is classified as likely benign based on ACMG/AMP sequence variant interpretation guidelines (Richards et al. 2015 PMID: 25741868, with internal and published modifications).

NM_001277115.2(DNAH11):c.6801T>C (p.Ile2267=)

Gene: DNAH11 (dynein axonemal heavy chain 11; plus strand). Cytogenetic location: 7p15.3.
Variant type: single nucleotide variant.
Coding change: c.6801T>C on transcript NM_001277115.2 (MANE Select); coding-DNA position 6801, T replaced by C.
Protein change: p.Ile2267=; no amino-acid change (isoleucine 2267 retained).
Molecular consequence: synonymous variant.
Genome position (GRCh38, 1-based): chr7:21,710,670, T>C. VCF-style: chr7-21710670-T-C. GRCh37 (hg19) VCF-style: chr7-21750288-T-C.
Other names: c.6822T>C, p.Ile2274= (NM_003777.3); c.6801T>C (NM_001277115.1).
Identifiers: ClinVar variation 2064861 (VCV002064861.7), dbSNP rs200168142, ClinGen allele CA4180985.
Genomic context (GRCh38, chr7:21,710,670, plus strand): 5'-TCTTAAGCATGATGGACCAAAATGGATAGTCCTGGATGGCGATATTGACCCCATGTGGAT[T>C]GAATCACTGAATACTGTAATGGATGATAACAAGGTGAATAAAACCTCTGTTCTCAACCTT-3'
Protein context (NP_001264044.1, residues 2257-2277): VLDGDIDPMW[Ile2267=]ESLNTVMDDN